The following is an entry in ClinVar:

NM_000089.4(COL1A2):c.1474A>G (p.Ile492Val)

Gene: COL1A2 (collagen type I alpha 2 chain; plus strand). Cytogenetic location: 7q21.3.
Variant type: single nucleotide variant.
Coding change: c.1474A>G on transcript NM_000089.4 (MANE Select); coding-DNA position 1474, A replaced by G.
Protein change: p.Ile492Val; replaces isoleucine 492 with valine.
Molecular consequence: missense variant.
Genome position (GRCh38, 1-based): chr7:94,412,653, A>G. VCF-style: chr7-94412653-A-G. GRCh37 (hg19) VCF-style: chr7-94041965-A-G.
Other names: c.1474A>G (NM_000089.3); short protein forms I492V.
Identifiers: ClinVar variation 1646027 (VCV001646027.10), dbSNP rs776551401, ClinGen allele CA4347070.

ClinVar aggregate classification (germline): Conflicting classifications of pathogenicity. Review status: criteria provided, conflicting classifications (1 of 4 stars). 3 submissions from 3 submitters: Uncertain significance (2); Likely benign (1). Last evaluated 2025-04-10.

Conditions:
Ehlers-Danlos syndrome, classic type, 1 (EDSCL1). Also called: EDS I; Ehlers-Danlos syndrome, type 1; EHLERS-DANLOS SYNDROME, GRAVIS TYPE; EHLERS-DANLOS SYNDROME, SEVERE CLASSIC TYPE; Ehlers-Danlos Syndrome, Classic Type, COL5A1-Related. Identifiers: MedGen C0268335, MONDO:0019567, OMIM 130000.
Osteogenesis imperfecta type I (OI1). Also called: Osteogenesis imperfecta type 1; Lobstein's Disease; OI, TYPE I; OSTEOGENESIS IMPERFECTA TARDA; OSTEOGENESIS IMPERFECTA WITH BLUE SCLERAE; Lobstein disease. Identifiers: Orphanet 216796, Orphanet 666, MedGen C0023931, MONDO:0008146, OMIM 166200. Disease mechanism: loss of function.
Cardiovascular phenotype. Identifiers: MedGen CN230736.

Allele frequency attached by ClinVar (database versions not stated): gnomAD exomes 0.00005; gnomAD 0.00016 and 0.00018; TOPMed 0.00020; ExAC 0.00002.
gnomAD v4.1: 55 of 1,614,042 alleles (0.0034%); highest among the groups gnomAD compares: African/African-American, 0.063%; no homozygotes.

Submissions (3):

Ambry Genetics
Classification: Uncertain significance for Cardiovascular phenotype. Last evaluated: 2025-04-10. Review status: criteria provided, single submitter. Criteria: Ambry Variant Classification Scheme 2023. Collection method: clinical testing. Allele origin: germline.
Comment: The p.I492V variant (also known as c.1474A>G), located in coding exon 25 of the COL1A2 gene, results from an A to G substitution at nucleotide position 1474. The isoleucine at codon 492 is replaced by valine, an amino acid with highly similar properties. This amino acid position is well conserved in available vertebrate species. In addition, the in silico prediction for this alteration is inconclusive. Based on the available evidence, the clinical significance of this variant remains unclear.

Labcorp Genetics (formerly Invitae), Labcorp
Classification: Likely benign for Osteogenesis imperfecta type I; Ehlers-Danlos syndrome, classic type, 1. Last evaluated: 2024-07-23. Review status: criteria provided, single submitter. Criteria: Invitae Variant Classification Sherloc (09022015). Collection method: clinical testing. Allele origin: germline.

Revvity Omics, Revvity
Classification: Uncertain significance. Last evaluated: 2023-09-26. Review status: criteria provided, single submitter. Criteria: ACMG Guidelines, 2015. Collection method: clinical testing. Allele origin: germline.